The following is an entry in ClinVar:

ClinVar aggregate classification (germline): Uncertain significance (1 of 4 stars; one submission).

gnomAD v4.1: 5 of 1,613,974 alleles (0.00031%); highest among the groups gnomAD compares: African/African-American, 0.0013%; no homozygotes.

Submission:

Labcorp Genetics (formerly Invitae), Labcorp
Classification: Uncertain significance. Last evaluated: 2022-03-10. Review status: criteria provided, single submitter. Criteria: Invitae Variant Classification Sherloc (09022015). Collection method: clinical testing. Allele origin: germline.
Comment: In summary, the available evidence is currently insufficient to determine the role of this variant in disease. Therefore, it has been classified as a Variant of Uncertain Significance. Algorithms developed to predict the effect of missense changes on protein structure and function (SIFT, PolyPhen-2, Align-GVGD) all suggest that this variant is likely to be tolerated. ClinVar contains an entry for this variant (Variation ID: 1024891). This variant has not been reported in the literature in individuals affected with PDE6C-related conditions. This variant is not present in population databases (gnomAD no frequency). This sequence change replaces arginine, which is basic and polar, with glycine, which is neutral and non-polar, at codon 502 of the PDE6C protein (p.Arg502Gly).

NM_006204.4(PDE6C):c.1504C>G (p.Arg502Gly)

Gene: PDE6C (phosphodiesterase 6C; plus strand). Cytogenetic location: 10q23.33.
Variant type: single nucleotide variant.
Coding change: c.1504C>G on transcript NM_006204.4 (MANE Select); coding-DNA position 1504, C replaced by G.
Protein change: p.Arg502Gly; replaces arginine 502 with glycine.
Molecular consequence: missense variant.
Genome position (GRCh38, 1-based): chr10:93,640,091, C>G. VCF-style: chr10-93640091-C-G. GRCh37 (hg19) VCF-style: chr10-95399848-C-G.
Other names: short protein forms R502G.
Identifiers: ClinVar variation 1024891 (VCV001024891.8), dbSNP rs145216599, ClinGen allele CA377617364.